The following is an entry in ClinVar:

NM_016239.4(MYO15A):c.3336del (p.Arg1113fs)

Gene: MYO15A (myosin XVA; plus strand). Cytogenetic location: 17p11.2.
Variant type: Deletion.
Coding change: c.3336del on transcript NM_016239.4 (MANE Select); coding-DNA position 3336, one base deleted (G; older notation c.3336delG).
Protein change: p.Arg1113fs; shifts the reading frame from arginine 1113.
Molecular consequence: frameshift variant.
Genome position (GRCh38, 1-based): chr17:18,122,136, G deleted; the last of 3 consecutive G bases (chr17:18,122,134-18,122,136); deleting any one gives the same sequence. VCF-style (leftmost placement, unchanged base first): chr17-18122133-TG-T. GRCh37 (hg19) VCF-style: chr17-18025447-TG-T.
Other names: c.3336delG (NM_016239.4); short protein forms R1113fs.
Identifiers: ClinVar variation 6958 (VCV000006958.6), dbSNP rs769884586, ClinGen allele CA8423436.

ClinVar aggregate classification (germline): Pathogenic. Review status: criteria provided, multiple submitters, no conflicts (2 of 4 stars). 3 submissions from 3 submitters: Pathogenic (2). 1 of the submissions does not count toward it. Last evaluated 2025-04-09.

Conditions:
Autosomal recessive nonsyndromic hearing loss 3. Also called: NEUROSENSORY NONSYNDROMIC RECESSIVE DEAFNESS 3. Identifiers: Orphanet 90636, MedGen C1838263, MONDO:0010860, OMIM 600316.

Submissions (3):

Women's Health and Genetics/Laboratory Corporation of America, LabCorp
Classification: Pathogenic for Autosomal recessive nonsyndromic hearing loss 3. Last evaluated: 2025-04-09. Review status: criteria provided, single submitter. Criteria: LabCorp Variant Classification Summary - May 2015. Collection method: clinical testing. Allele origin: germline.
Comment: Variant summary: MYO15A c.3336delG (p.Arg1113ValfsX12) results in a premature termination codon, predicted to cause absence of the protein due to nonsense mediated decay, which is a commonly known mechanism for disease. The variant allele was found at a frequency of 2.8e-05 in 248502 control chromosomes. c.3336delG has been reported in the literature in multiple individuals affected with Autosomal Recessive Nonsyndromic Hearing Loss 3 (example, Nal_2007) . These data indicate that the variant is very likely to be associated with disease. To our knowledge, no experimental evidence demonstrating an impact on protein function has been reported. The following publication has been ascertained in the context of this evaluation (PMID: 17546645). ClinVar contains an entry for this variant (Variation ID: 6958). Based on the evidence outlined above, the variant was classified as pathogenic.

Labcorp Genetics (formerly Invitae), Labcorp
Classification: Pathogenic. Last evaluated: 2023-07-16. Review status: criteria provided, single submitter. Criteria: Invitae Variant Classification Sherloc (09022015). Collection method: clinical testing. Allele origin: germline.
Comment: For these reasons, this variant has been classified as Pathogenic. ClinVar contains an entry for this variant (Variation ID: 6958). This variant is also known as c.3334delG (p.G1112fsX1124). This premature translational stop signal has been observed in individual(s) with deafness (PMID: 17546645). This variant is present in population databases (rs769884586, gnomAD 0.03%). This sequence change creates a premature translational stop signal (p.Arg1113Valfs*12) in the MYO15A gene. It is expected to result in an absent or disrupted protein product. Loss-of-function variants in MYO15A are known to be pathogenic (PMID: 17546645).

OMIM
Classification: Pathogenic for DEAFNESS, AUTOSOMAL RECESSIVE 3. Last evaluated: 2007-10-01. Review status: no assertion criteria provided. Collection method: literature only. Allele origin: germline. Not counted in ClinVar's aggregate classification.

Literature cited by the submitters: PubMed 17546645 (cited by 3 submitters).